The following is an entry in ClinVar:

NM_002834.5(PTPN11):c.28A>T (p.Asn10Tyr)

Gene: PTPN11 (protein tyrosine phosphatase non-receptor type 11; plus strand). Cytogenetic location: 12q24.13.
Variant type: single nucleotide variant.
Coding change: c.28A>T on transcript NM_002834.5 (MANE Select); coding-DNA position 28, A replaced by T.
Protein change: p.Asn10Tyr; replaces asparagine 10 with tyrosine.
Molecular consequence: missense variant.
Genome position (GRCh38, 1-based): chr12:112,446,289, A>T. VCF-style: chr12-112446289-A-T. GRCh37 (hg19) VCF-style: chr12-112884093-A-T.
Other names: c.28A>T, p.Asn10Tyr (NM_001330437.2, NM_001374625.1, NM_080601.3); short protein forms N10Y.
Identifiers: ClinVar variation 2587734 (VCV002587734.4), dbSNP rs368633510, ClinGen allele CA386776145.

ClinVar aggregate classification (germline): Uncertain significance. Review status: criteria provided, multiple submitters, no conflicts (2 of 4 stars). 3 submissions from 3 submitters: Uncertain significance (3). Last evaluated 2026-01-25.

Conditions:
RASopathy. Also called: rasopathies; Noonan spectrum disorder. Identifiers: Orphanet 536391, MedGen C5555857, MONDO:0021060.
Cardiovascular phenotype. Identifiers: MedGen CN230736.

Submissions (3):

Labcorp Genetics (formerly Invitae), Labcorp
Classification: Uncertain significance for RASopathy. Last evaluated: 2026-01-25. Review status: criteria provided, single submitter. Criteria: Invitae Variant Classification Sherloc (09022015). Collection method: clinical testing. Allele origin: germline.
Comment: This sequence change replaces asparagine, which is neutral and polar, with tyrosine, which is neutral and polar, at codon 10 of the PTPN11 protein (p.Asn10Tyr). This variant is not present in population databases (gnomAD no frequency). This variant has not been reported in the literature in individuals affected with PTPN11-related conditions. ClinVar contains an entry for this variant (Variation ID: 2587734). Invitae Evidence Modeling of protein sequence and biophysical properties (such as structural, functional, and spatial information, amino acid conservation, physicochemical variation, residue mobility, and thermodynamic stability) has been performed for this missense variant. However, the output from this modeling did not meet the statistical confidence thresholds required to predict the impact of this variant on PTPN11 protein function. In summary, the available evidence is currently insufficient to determine the role of this variant in disease. Therefore, it has been classified as a Variant of Uncertain Significance.

GeneDx
Classification: Uncertain significance. Last evaluated: 2024-05-03. Review status: criteria provided, single submitter. Criteria: GeneDx Variant Classification Process June 2021. Collection method: clinical testing. Allele origin: germline. Affected: yes.
Comment: Not observed at significant frequency in large population cohorts (gnomAD); Missense variants in this gene are a common cause of disease and they are underrepresented in the general population; In silico analysis supports that this missense variant has a deleterious effect on protein structure/function; Has not been previously published as pathogenic or benign to our knowledge; This variant is associated with the following publications: (PMID: 29493581)

Ambry Genetics
Classification: Uncertain significance for Cardiovascular phenotype. Last evaluated: 2023-07-27. Review status: criteria provided, single submitter. Criteria: Ambry Variant Classification Scheme 2023. Collection method: clinical testing. Allele origin: germline.
Comment: The p.N10Y variant (also known as c.28A>T), located in coding exon 2 of the PTPN11 gene, results from an A to T substitution at nucleotide position 28. The asparagine at codon 10 is replaced by tyrosine, an amino acid with dissimilar properties. This amino acid position is conserved. In addition, this alteration is predicted to be deleterious by in silico analysis. Since supporting evidence is limited at this time, the clinical significance of this alteration remains unclear.